The following is an entry in ClinVar:

NM_014727.3(KMT2B):c.6883T>A (p.Tyr2295Asn)

Gene: KMT2B (lysine methyltransferase 2B; plus strand). Cytogenetic location: 19q13.12.
Variant type: single nucleotide variant.
Coding change: c.6883T>A on transcript NM_014727.3 (MANE Select); coding-DNA position 6883, T replaced by A.
Protein change: p.Tyr2295Asn; replaces tyrosine 2295 with asparagine.
Molecular consequence: missense variant.
Genome position (GRCh38, 1-based): chr19:35,733,432, T>A. VCF-style: chr19-35733432-T-A. GRCh37 (hg19) VCF-style: chr19-36224333-T-A.
Other names: short protein forms Y2295N.
Identifiers: ClinVar variation 2904066 (VCV002904066.25), dbSNP rs1367759005, ClinGen allele CA405430385.

ClinVar aggregate classification (germline): Conflicting classifications of pathogenicity. Review status: criteria provided, conflicting classifications (1 of 4 stars). 2 submissions from 2 submitters: Uncertain significance (1); Likely benign (1). Last evaluated 2024-04-25.

Allele frequency attached by ClinVar (database versions not stated): gnomAD exomes below 0.00001; gnomAD 0.00001.
gnomAD v4.1: 7 of 1,555,166 alleles (0.00045%); highest among the groups gnomAD compares: African/African-American, 0.0069%; no homozygotes.

Submissions (2):

Labcorp Genetics (formerly Invitae), Labcorp
Classification: Uncertain significance. Last evaluated: 2024-04-25. Review status: criteria provided, single submitter. Criteria: Invitae Variant Classification Sherloc (09022015). Collection method: clinical testing. Allele origin: germline.
Comment: This sequence change replaces tyrosine, which is neutral and polar, with asparagine, which is neutral and polar, at codon 2295 of the KMT2B protein (p.Tyr2295Asn). This variant is not present in population databases (gnomAD no frequency). This variant has not been reported in the literature in individuals affected with KMT2B-related conditions. Advanced modeling of protein sequence and biophysical properties (such as structural, functional, and spatial information, amino acid conservation, physicochemical variation, residue mobility, and thermodynamic stability) performed at Invitae indicates that this missense variant is not expected to disrupt KMT2B protein function with a negative predictive value of 95%. In summary, the available evidence is currently insufficient to determine the role of this variant in disease. Therefore, it has been classified as a Variant of Uncertain Significance.

CeGaT Center for Human Genetics Tuebingen
Classification: Likely benign. Last evaluated: 2024-01-01. Review status: criteria provided, single submitter. Criteria: CeGaT Center For Human Genetics Tuebingen Variant Classification Criteria Version 2. Collection method: clinical testing. Allele origin: germline. Affected: yes. Observed: 1 variant allele.
Comment: KMT2B: BP4